The following is an entry in ClinVar:

ClinVar aggregate classification (germline): Likely benign (1 of 4 stars; one submission).

Conditions:
Alport syndrome. Also called: Hemorrhagic familial nephritis; Hemorrhagic hereditary nephritis; Congenital hereditary hematuria. Identifiers: Orphanet 63, MedGen C1567741, MONDO:0018965.

Allele frequency attached by ClinVar (database versions not stated): gnomAD 0.00477 and 0.00504; TOPMed 0.00587; 1000 Genomes Project 30x 0.00625; 1000 Genomes Project 0.00639.

Submission:

Illumina Laboratory Services, Illumina
Classification: Likely benign for Alport syndrome. Last evaluated: 2018-01-13. Review status: criteria provided, single submitter. Criteria: ICSL Variant Classification Criteria 13 December 2019. Collection method: clinical testing. Allele origin: germline.
Comment: This variant was observed in the ICSL laboratory as part of a predisposition screen in an ostensibly healthy population. It had not been previously curated by ICSL or reported in the Human Gene Mutation Database (HGMD: prior to June 1st, 2018), and was therefore a candidate for classification through an automated scoring system. Utilizing variant allele frequency, disease prevalence and penetrance estimates, and inheritance mode, an automated score was calculated to assess if this variant is too frequent to cause the disease. Based on the score and internal cut-off values, a variant classified as likely benign is not then subjected to further curation. The score for this variant resulted in a classification of likely benign for this disease.

NM_000091.5(COL4A3):c.*811A>C

Genes: COL4A3 (collagen type IV alpha 3 chain; plus strand), MFF-DT (MFF divergent transcript; minus strand). Cytogenetic location: 2q36.3.
Variant type: single nucleotide variant.
Coding change: c.*811A>C on transcript NM_000091.5 (MANE Select); 811 bases downstream of the stop codon, A replaced by C.
Molecular consequence: 3 prime UTR variant.
Genome position (GRCh38, 1-based): chr2:227,312,681, A>C. VCF-style: chr2-227312681-A-C. GRCh37 (hg19) VCF-style: chr2-228177397-A-C.
Identifiers: ClinVar variation 334798 (VCV000334798.5), dbSNP rs116568659, ClinGen allele CA10613017.